The following is an entry in ClinVar:

ClinVar aggregate classification (germline): Likely pathogenic (1 of 4 stars; one submission).

Submission:

Labcorp Genetics (formerly Invitae), Labcorp
Classification: Likely pathogenic. Last evaluated: 2021-08-19. Review status: criteria provided, single submitter. Criteria: Invitae Variant Classification Sherloc (09022015). Collection method: clinical testing. Allele origin: germline.
Comment: In summary, the currently available evidence indicates that the variant is pathogenic, but additional data are needed to prove that conclusively. Therefore, this variant has been classified as Likely Pathogenic. Algorithms developed to predict the effect of sequence changes on RNA splicing suggest that this variant may disrupt the consensus splice site. This variant has not been reported in the literature in individuals affected with HPS3-related conditions. This variant is present in population databases (rs757569691, ExAC 0.01%). This variant results in the deletion of part of exon 10 (c.1872_1872+4del) of the HPS3 gene. It is expected to disrupt RNA splicing. Variants that disrupt the donor or acceptor splice site typically lead to a loss of protein function (PMID: 16199547), and loss-of-function variants in HPS3 are known to be pathogenic (PMID: 11590544).

Literature cited by the submitters: PubMed 16199547; PubMed 11590544.

NM_032383.5(HPS3):c.1872_1872+4del

Gene: HPS3 (HPS3 biogenesis of lysosomal organelles complex 2 subunit 1; plus strand). Cytogenetic location: 3q24.
Variant type: Deletion.
Coding change: c.1872_1872+4del on transcript NM_032383.5 (MANE Select); coding-DNA position 1872 through 4 bases into the intron after coding-DNA position 1872, 5 bases deleted (AGTGA; older notation c.1872_1872+4delAGTGA).
Molecular consequence: splice donor variant.
Genome position (GRCh38, 1-based): chr3:149,158,846-149,158,850, AGTGA deleted; deleting any 5 consecutive bases within chr3:149,158,843-149,158,850 gives the same sequence; the c. name uses the placement nearest the transcript's 3' end. VCF-style (leftmost placement, unchanged base first): chr3-149158842-ATGAAG-A. GRCh37 (hg19) VCF-style: chr3-148876629-ATGAAG-A.
Other names: c.1377_1377+4del (NM_001308258.2).
Identifiers: ClinVar variation 1490957 (VCV001490957.6), dbSNP rs757569691, ClinGen allele CA2660195.
Genomic context (GRCh38, chr3:149,158,842, plus strand): 5'-AGAGAGGATTAATCTTTTACATTAATCATTCACTTTATGAAAACCTGGATGAAGAATTAA[ATGAAG>A]TGATTATAGTTTTCTGTTTTCTATCTAATATTTTTAACATTTCATTTTAATGGTTTATTT-3'